The following continues an entry in ClinVar:

NM_000174.5(GP9):c.182A>G (p.Asn61Ser)

Gene: GP9. ClinVar aggregate classification (germline): Pathogenic. Pathogenic (1).

Submissions 11 to 24 of 24:

Genetic Services Laboratory, University of Chicago
Classification: Pathogenic. Last evaluated: 2023-03-22. Review status: criteria provided, single submitter. Criteria: ACMG Guidelines, 2015. Collection method: clinical testing. Allele origin: germline. Affected: yes. Not counted in ClinVar's aggregate classification.
Comment: DNA sequence analysis of the GP9 gene demonstrated a sequence change, c.182A>G, in exon 3 that results in an amino acid change, p.Asn61Ser. The p.Asn61Ser change affects a highly conserved amino acid residue located in a domain of the GP9 protein that is not known to be functional. The p.Asn61Ser substitution appears to be deleterious using several in-silico pathogenicity prediction tools (SIFT, PolyPhen2, Align GVGD, REVEL). This pathogenic sequence change has previously been described in the homozygous or compound heterozygous state in several individuals with Bernard-Soulier syndrome and was found to segregate with disease in multiple families (PMID: 8481514, 28131619, 31064749, 28765788, 33553065). This sequence change has been described in the gnomAD database with a frequency of 0.05% in the overall population (dbSNP rs5030764). Collectively, this evidence indicates that this sequence change is pathogenic.

Clinical Genetics Laboratory, Skane University Hospital Lund
Classification: Pathogenic. Last evaluated: 2022-09-27. Review status: criteria provided, single submitter. Criteria: ACMG Guidelines, 2015. Collection method: clinical testing. Allele origin: germline. Affected: yes. Not counted in ClinVar's aggregate classification.

Revvity Omics, Revvity
Classification: Pathogenic for Bernard Soulier syndrome. Last evaluated: 2021-08-13. Review status: criteria provided, single submitter. Criteria: ACMG Guidelines, 2015. Collection method: clinical testing. Allele origin: germline. Not counted in ClinVar's aggregate classification.

Genetics and Molecular Pathology, SA Pathology
Classification: Pathogenic for Bernard Soulier syndrome. Last evaluated: 2021-05-18. Review status: criteria provided, single submitter. Criteria: ACMG Guidelines, 2015. Collection method: clinical testing. Allele origin: germline. Inheritance: Autosomal recessive inheritance. Affected: yes. Not counted in ClinVar's aggregate classification.

NIHR Bioresource Rare Diseases, University of Cambridge
Classification: Pathogenic for Bernard Soulier syndrome. Last evaluated: 2019-02-01. Review status: criteria provided, single submitter. Criteria: ACMG Guidelines, 2015. Collection method: research. Allele origin: unknown. Affected: yes. Observed: 2 homozygotes. Study: ThromboGenomics. Not counted in ClinVar's aggregate classification.

NIHR Bioresource Rare Diseases, University of Cambridge
Classification: Likely pathogenic for Thrombocytopenia. Last evaluated: 2019-02-01. Review status: criteria provided, single submitter. Criteria: ACMG Guidelines, 2015. Collection method: research. Allele origin: unknown. Affected: yes. Observed: 2 homozygotes. Study: ThromboGenomics. Not counted in ClinVar's aggregate classification.

NIHR Bioresource Rare Diseases, University of Cambridge
Classification: Pathogenic for Macrothrombocytopenia. Last evaluated: 2019-02-01. Review status: criteria provided, single submitter. Criteria: ACMG Guidelines, 2015. Collection method: research. Allele origin: unknown. Affected: yes. Observed: 4 homozygotes. Study: ThromboGenomics. Not counted in ClinVar's aggregate classification.

Illumina Laboratory Services, Illumina
Classification: Pathogenic for Bernard Soulier syndrome. Last evaluated: 2017-08-28. Review status: criteria provided, single submitter. Criteria: ICSL Variant Classification Criteria 09 May 2019. Collection method: clinical testing. Allele origin: germline. Not counted in ClinVar's aggregate classification.
Comment: The GP9 c.182A>G (p.Asn61Ser) missense variant has been reported in four studies in which it is found in a total of ten individuals with bleeding abnormalities characteristic of Bernard-Soulier syndrome, including in six in a homozygous state and in four (including three siblings) in a compound heterozygous state (Wright et al. 1993; Clemetson et al. 1994; Sachs et al. 2003; Bragadottir et al. 2015). The variant was also found in a heterozygous state in six unaffected family members. The p.Asn61Ser variant was absent from 208 control alleles and is reported at a frequency of 0.001073 in the non-Finnish European population of the Exome Aggregation Consortium. Based on the evidence, the p.Asn61Ser variant is classified as pathogenic for Bernard-Soulier syndrome. This variant was observed by ICSL as part of a predisposition screen in an ostensibly healthy population.

ISTH-SSC Genomics in Thrombosis and Hemostasis, KU Leuven, Center for Molecular and Vascular Biology
Classification: Pathogenic for Bernard Soulier syndrome. Review status: criteria provided, single submitter. Criteria: ACMG Guidelines, 2015. Collection method: clinical testing. Allele origin: germline. Affected: yes. Observed: 1 heterozygote, 1 homozygote. Not counted in ClinVar's aggregate classification.
Comment: Submitted to GoldVariant by Kathleen Freson, Center for Molecular and Vascular Biology, Leuven, Belgium

Clinical Molecular Genetics Laboratory, Johns Hopkins All Children's Hospital
Classification: Pathogenic for Macrothrombocytopenia. Last evaluated: 2019-03-22. Review status: no assertion criteria provided. Collection method: clinical testing. Allele origin: germline. Inheritance: Autosomal recessive inheritance. Affected: yes. Observed: 1 compound heterozygote. Not counted in ClinVar's aggregate classification.

Division of Human Genetics, Children's Hospital of Philadelphia
Classification: Likely pathogenic for Bernard Soulier syndrome. Last evaluated: 2016-02-21. Review status: no assertion criteria provided. Collection method: research. Allele origin: germline. Affected: yes. Study: CSER-PediSeq. Not counted in ClinVar's aggregate classification.

OMIM
Classification: Pathogenic for BERNARD-SOULIER SYNDROME, TYPE C. Last evaluated: 2003-10-01. Review status: no assertion criteria provided. Collection method: literature only. Allele origin: germline. Not counted in ClinVar's aggregate classification.

Clinical Genetics DNA and cytogenetics Diagnostics Lab, Erasmus MC, Erasmus Medical Center
Classification: Pathogenic. Review status: no assertion criteria provided. Collection method: clinical testing. Allele origin: germline. Affected: yes. Study: VKGL Data-share Consensus. Not counted in ClinVar's aggregate classification.

Joint Genome Diagnostic Labs from Nijmegen and Maastricht, Radboudumc and MUMC+
Classification: Pathogenic. Review status: no assertion criteria provided. Collection method: clinical testing. Allele origin: germline. Affected: yes. Study: VKGL Data-share Consensus. Not counted in ClinVar's aggregate classification.

Literature cited by the submitters: PubMed 8481514 (cited by 4 submitters); PubMed 14510954 (cited by 5 submitters); PubMed 25370924 (cited by 3 submitters); PubMed 28131619 (cited by Labcorp Genetics (formerly Invitae), Labcorp and Mayo Clinic Laboratories, Mayo Clinic); PubMed 28765788 (cited by Labcorp Genetics (formerly Invitae), Labcorp and Mayo Clinic Laboratories, Mayo Clinic); PubMed 10227459 (cited by Mayo Clinic Laboratories, Mayo Clinic); PubMed 16268478 (cited by Mayo Clinic Laboratories, Mayo Clinic); PubMed 24934643 (cited by Mayo Clinic Laboratories, Mayo Clinic); PubMed 28960434 (cited by Mayo Clinic Laboratories, Mayo Clinic); PubMed 30431218 (cited by Mayo Clinic Laboratories, Mayo Clinic); PubMed 33553065 (cited by Mayo Clinic Laboratories, Mayo Clinic); PubMed 34407604 (cited by Mayo Clinic Laboratories, Mayo Clinic); PubMed 8049428 (cited by 3 submitters); PubMed 31064749 (cited by NIHR Bioresource Rare Diseases, University of Cambridge).